The following is an entry in ClinVar:

ClinVar aggregate classification (germline): Uncertain significance. Review status: criteria provided, multiple submitters, no conflicts (2 of 4 stars). 3 submissions from 3 submitters: Uncertain significance (3). Last evaluated 2025-08-11.

Conditions:
Early-onset Parkinson disease 20. Also called: PARKINSON DISEASE 20, AUTOSOMAL RECESSIVE EARLY-ONSET. Identifiers: Orphanet 391411, MedGen C3809824, MONDO:0014233, OMIM 615530.
Developmental and epileptic encephalopathy, 53. Also called: Epileptic encephalopathy, early infantile, 53. Identifiers: MedGen C4479313, MONDO:0033362, OMIM 617389.
Inborn genetic diseases. Identifiers: MedGen C0950123, MeSH D030342.

Allele frequency attached by ClinVar (database versions not stated): TOPMed 0.00009; gnomAD exomes 0.00010.
gnomAD v4.1: 36 of 1,534,760 alleles (0.0023%); highest among the groups gnomAD compares: Middle Eastern, 0.055%; no homozygotes.

Submissions (3):

Ambry Genetics
Classification: Uncertain significance for Inborn genetic diseases. Last evaluated: 2025-08-11. Review status: criteria provided, single submitter. Criteria: Ambry Variant Classification Scheme 2023. Collection method: clinical testing. Allele origin: germline.

Labcorp Genetics (formerly Invitae), Labcorp
Classification: Uncertain significance for Developmental and epileptic encephalopathy, 53; Early-onset Parkinson disease 20. Last evaluated: 2022-08-16. Review status: criteria provided, single submitter. Criteria: Invitae Variant Classification Sherloc (09022015). Collection method: clinical testing. Allele origin: germline.
Comment: This sequence change replaces cysteine, which is neutral and slightly polar, with glycine, which is neutral and non-polar, at codon 21 of the SYNJ1 protein (p.Cys21Gly). This variant is present in population databases (no rsID available, gnomAD 0.03%). This variant has not been reported in the literature in individuals affected with SYNJ1-related conditions. ClinVar contains an entry for this variant (Variation ID: 998439). Algorithms developed to predict the effect of missense changes on protein structure and function output the following: SIFT: "Deleterious"; PolyPhen-2: "Benign"; Align-GVGD: "Class C0". The glycine amino acid residue is found in multiple mammalian species, which suggests that this missense change does not adversely affect protein function. In summary, the available evidence is currently insufficient to determine the role of this variant in disease. Therefore, it has been classified as a Variant of Uncertain Significance.

Baylor Genetics
Classification: Uncertain significance for Developmental and epileptic encephalopathy, 53. Last evaluated: 2018-01-29. Review status: criteria provided, single submitter. Criteria: ACMG Guidelines, 2015. Collection method: clinical testing. Allele origin: unknown. Affected: yes.
Comment: This variant was determined to be of uncertain significance according to ACMG Guidelines, 2015 [PMID:25741868].

NM_203446.3(SYNJ1):c.-57T>G

Gene: SYNJ1 (synaptojanin 1; minus strand). Cytogenetic location: 21q22.11.
Variant type: single nucleotide variant.
Coding change: c.-57T>G on transcript NM_203446.3 (MANE Select); 57 bases upstream of the start codon, T replaced by G.
Molecular consequence: 5 prime UTR variant. On other transcripts: missense variant (1).
Genome position (GRCh38, 1-based): chr21:32,727,980, A>C on the plus strand (T>G on the coding strand, the complement: SYNJ1 is on the minus strand). VCF-style: chr21-32727980-A-C. GRCh37 (hg19) VCF-style: chr21-34100291-A-C.
Other names: c.61T>G, p.Cys21Gly (NM_003895.4); short protein forms C21G.
Identifiers: ClinVar variation 998439 (VCV000998439.8), dbSNP rs921606190, ClinGen allele CA319437570.